The following is an entry in ClinVar:

ClinVar aggregate classification (germline): Uncertain significance (1 of 4 stars; one submission).

Conditions:
Myofibrillar myopathy 5. Also called: Filaminopathy (type); FILAMINOPATHY, AUTOSOMAL DOMINANT. Identifiers: Orphanet 171445, MedGen C1836050, MONDO:0012289, OMIM 609524.
Hypertrophic cardiomyopathy 26. Also called: Cardiomyopathy, familial hypertrophic, 26. Identifiers: Orphanet 75249, MedGen C4310749, MONDO:0014883, OMIM 617047.
Distal myopathy with posterior leg and anterior hand involvement. Also called: WILLIAMS DISTAL MYOPATHY. Identifiers: Orphanet 63273, MedGen C3279722, MONDO:0013550, OMIM 614065.

Allele frequency attached by ClinVar (database versions not stated): gnomAD exomes below 0.00001.
gnomAD v4.1: 1 of 1,614,008 alleles (0.000062%); highest among the groups gnomAD compares: Non-Finnish European, 0.000085%; no homozygotes.

Submission:

Labcorp Genetics (formerly Invitae), Labcorp
Classification: Uncertain significance for Distal myopathy with posterior leg and anterior hand involvement; Myofibrillar myopathy 5; Hypertrophic cardiomyopathy 26. Last evaluated: 2023-02-18. Review status: criteria provided, single submitter. Criteria: Invitae Variant Classification Sherloc (09022015). Collection method: clinical testing. Allele origin: germline.
Comment: In summary, the available evidence is currently insufficient to determine the role of this variant in disease. Therefore, it has been classified as a Variant of Uncertain Significance. Advanced modeling of protein sequence and biophysical properties (such as structural, functional, and spatial information, amino acid conservation, physicochemical variation, residue mobility, and thermodynamic stability) has been performed at Invitae for this missense variant, however the output from this modeling did not meet the statistical confidence thresholds required to predict the impact of this variant on FLNC protein function. ClinVar contains an entry for this variant (Variation ID: 1523503). This variant has not been reported in the literature in individuals affected with FLNC-related conditions. This variant is not present in population databases (gnomAD no frequency). This sequence change replaces asparagine, which is neutral and polar, with aspartic acid, which is acidic and polar, at codon 1727 of the FLNC protein (p.Asn1727Asp).

NM_001458.5(FLNC):c.5179A>G (p.Asn1727Asp)

Gene: FLNC (filamin C; plus strand). Cytogenetic location: 7q32.1.
Variant type: single nucleotide variant.
Coding change: c.5179A>G on transcript NM_001458.5 (MANE Select); coding-DNA position 5179, A replaced by G.
Protein change: p.Asn1727Asp; replaces asparagine 1727 with aspartic acid.
Molecular consequence: missense variant.
Genome position (GRCh38, 1-based): chr7:128,849,558, A>G. VCF-style: chr7-128849558-A-G. GRCh37 (hg19) VCF-style: chr7-128489612-A-G.
Other names: c.5179A>G, p.Asn1727Asp (NM_001127487.2); short protein forms N1727D.
Identifiers: ClinVar variation 1523503 (VCV001523503.8), dbSNP rs2128937845, ClinGen allele CA369204354.